The following is an entry in ClinVar:

ClinVar aggregate classification (germline): Benign/Likely benign. Review status: criteria provided, multiple submitters, no conflicts (2 of 4 stars). 7 submissions from 7 submitters: Benign (6); Likely benign (1). Last evaluated 2026-02-02.

Conditions:
Cardiovascular phenotype. Identifiers: MedGen CN230736.
Long QT syndrome (LQTS). Identifiers: MedGen C0023976, MeSH D008133, MONDO:0002442. Disease mechanism: loss of function. Inheritance: Various modes of inheritance.
Long QT syndrome 12 (LQT12). Identifiers: Orphanet 101016, Orphanet 768, MedGen C2751830, MONDO:0013062, OMIM 612955.

Allele frequency attached by ClinVar (database versions not stated): gnomAD exomes 0.00288; ExAC 0.00354; ESP Exome Variant Server 0.01107; gnomAD 0.01129 and 0.01203; TOPMed 0.01212; 1000 Genomes Project 0.01318; 1000 Genomes Project 30x 0.01515.
gnomAD v4.1: 3,340 of 1,614,120 alleles (0.21%); highest among the groups gnomAD compares: African/African-American, 3.9%; 59 homozygotes.

Submissions (7):

Labcorp Genetics (formerly Invitae), Labcorp
Classification: Benign for Long QT syndrome. Last evaluated: 2026-02-02. Review status: criteria provided, single submitter. Criteria: Invitae Variant Classification Sherloc (09022015). Collection method: clinical testing. Allele origin: germline.

ARUP Laboratories, Molecular Genetics and Genomics, ARUP Laboratories
Classification: Benign for Long QT syndrome 12. Last evaluated: 2023-09-21. Review status: criteria provided, single submitter. Criteria: ARUP Molecular Germline Variant Investigation Process 2024. Collection method: clinical testing. Allele origin: germline.

Women's Health and Genetics/Laboratory Corporation of America, LabCorp
Classification: Benign. Last evaluated: 2018-09-17. Review status: criteria provided, single submitter. Criteria: LabCorp Variant Classification Summary - May 2015. Collection method: clinical testing. Allele origin: germline.
Comment: Variant summary: SNTA1 c.1350C>T alters a non-conserved nucleotide resulting in a synonymous change. 5/5 computational tools predict no significant impact on normal splicing. However, these predictions have yet to be confirmed by functional studies. The variant allele was found at a frequency of 0.0035 in 277164 control chromosomes, predominantly at a frequency of 0.036 within the African subpopulation in the gnomAD database, including 16 homozygotes. The observed variant frequency within African control individuals in the gnomAD database is approximately 3600-fold of the estimated maximal expected allele frequency for a pathogenic variant in SNTA1 causing Arrhythmia phenotype (1e-05), strongly suggesting that the variant is a benign polymorphism found primarily in populations of African origin. To our knowledge, no occurrence of c.1350C>T in individuals affected with Arrhythmia and no experimental evidence demonstrating its impact on protein function have been reported. Three clinical diagnostic laboratories have submitted clinical-significance assessments for this variant to ClinVar after 2014 without evidence for independent evaluation. All laboratories classified the variant as benign/likely benign. Based on the evidence outlined above, the variant was classified as benign.

Illumina Laboratory Services, Illumina
Classification: Benign for Long QT syndrome 12. Last evaluated: 2018-01-12. Review status: criteria provided, single submitter. Criteria: ICSL Variant Classification Criteria 13 December 2019. Collection method: clinical testing. Allele origin: germline.
Comment: This variant was observed in the ICSL laboratory as part of a predisposition screen in an ostensibly healthy population. It had not been previously curated by ICSL or reported in the Human Gene Mutation Database (HGMD: prior to June 1st, 2018), and was therefore a candidate for classification through an automated scoring system. Utilizing variant allele frequency, disease prevalence and penetrance estimates, and inheritance mode, an automated score was calculated to assess if this variant is too frequent to cause the disease. Based on the score and internal cut-off values, a variant classified as benign is not then subjected to further curation. The score for this variant resulted in a classification of benign for this disease.

Ambry Genetics
Classification: Benign for Cardiovascular phenotype. Last evaluated: 2015-12-02. Review status: criteria provided, single submitter. Criteria: Ambry Variant Classification Scheme 2023. Collection method: clinical testing. Allele origin: germline.

GeneDx
Classification: Benign. Last evaluated: 2015-03-03. Review status: criteria provided, single submitter. Criteria: GeneDx Variant Classification Process June 2021. Collection method: clinical testing. Allele origin: germline. Affected: yes.

Breakthrough Genomics
Classification: Likely benign. Review status: criteria provided, single submitter. Criteria: ACMG Guidelines, 2015. Collection method: not provided. Allele origin: germline. Inheritance: Autosomal dominant inheritance. Affected: yes.

NM_003098.3(SNTA1):c.1350C>T (p.Phe450=)

Gene: SNTA1 (syntrophin alpha 1; minus strand). Cytogenetic location: 20q11.21.
Variant type: single nucleotide variant.
Coding change: c.1350C>T on transcript NM_003098.3 (MANE Select); coding-DNA position 1350, C replaced by T.
Protein change: p.Phe450=; no amino-acid change (phenylalanine 450 retained).
Molecular consequence: synonymous variant.
Genome position (GRCh38, 1-based): chr20:33,408,776, G>A on the plus strand (C>T on the coding strand, the complement: SNTA1 is on the minus strand). VCF-style: chr20-33408776-G-A. GRCh37 (hg19) VCF-style: chr20-31996582-G-A.
Identifiers: ClinVar variation 239498 (VCV000239498.30), dbSNP rs116747979, ClinGen allele CA9816977.